The following is an entry in ClinVar:

NM_001018115.3(FANCD2):c.3623T>A (p.Val1208Asp)

Genes: FANCD2 (FA complementation group D2; plus strand), FANCD2OS (FANCD2 opposite strand; minus strand). Cytogenetic location: 3p25.3.
Variant type: single nucleotide variant.
Coding change: c.3623T>A on transcript NM_001018115.3 (MANE Select); coding-DNA position 3623, T replaced by A.
Protein change: p.Val1208Asp; replaces valine 1208 with aspartic acid.
Molecular consequence: missense variant. On other transcripts: intron variant (1).
Genome position (GRCh38, 1-based): chr3:10,088,890, T>A. VCF-style: chr3-10088890-T-A. GRCh37 (hg19) VCF-style: chr3-10130574-T-A.
Other names: c.3623T>A, p.Val1208Asp (NM_001319984.2, NM_001374254.1, NM_033084.6); c.3512T>A, p.Val1171Asp (NM_001374253.1); c.*44-7359A>T (NM_173472.2); short protein forms V1208D, V1171D.
Identifiers: ClinVar variation 2039864 (VCV002039864.3), dbSNP rs1246011182, ClinGen allele CA351754676.

ClinVar aggregate classification (germline): Uncertain significance (1 of 4 stars; one submission).

Conditions:
Fanconi anemia (FA). Also called: Fanconi's anemia. Identifiers: Orphanet 84, MedGen C0015625, MeSH D005199, MONDO:0019391.

Allele frequency attached by ClinVar (database versions not stated): gnomAD 0.00001; gnomAD exomes below 0.00001; TOPMed 0.00001.
gnomAD v4.1: 2 of 1,613,786 alleles (0.00012%); highest among the groups gnomAD compares: Admixed American, 0.0033%; no homozygotes.

Submission:

Labcorp Genetics (formerly Invitae), Labcorp
Classification: Uncertain significance for Fanconi anemia. Last evaluated: 2023-11-27. Review status: criteria provided, single submitter. Criteria: Invitae Variant Classification Sherloc (09022015). Collection method: clinical testing. Allele origin: germline.
Comment: This sequence change replaces valine, which is neutral and non-polar, with aspartic acid, which is acidic and polar, at codon 1208 of the FANCD2 protein (p.Val1208Asp). This variant is present in population databases (no rsID available, gnomAD 0.003%). This variant has not been reported in the literature in individuals affected with FANCD2-related conditions. ClinVar contains an entry for this variant (Variation ID: 2039864). Advanced modeling of protein sequence and biophysical properties (such as structural, functional, and spatial information, amino acid conservation, physicochemical variation, residue mobility, and thermodynamic stability) performed at Invitae indicates that this missense variant is expected to disrupt FANCD2 protein function with a positive predictive value of 80%. In summary, the available evidence is currently insufficient to determine the role of this variant in disease. Therefore, it has been classified as a Variant of Uncertain Significance.